The following is an entry in ClinVar:

NM_032578.4(MYPN):c.2565-16T>A

Gene: MYPN (myopalladin; plus strand). Cytogenetic location: 10q21.3.
Variant type: single nucleotide variant.
Coding change: c.2565-16T>A on transcript NM_032578.4 (MANE Select); 16 bases into the intron before coding-DNA position 2565, T replaced by A.
Molecular consequence: intron variant.
Genome position (GRCh38, 1-based): chr10:68,175,307, T>A. VCF-style: chr10-68175307-T-A. GRCh37 (hg19) VCF-style: chr10-69935064-T-A.
Other names: c.2565-16T>A (NM_001256267.2); c.1683-16T>A (NM_001256268.2).
Identifiers: ClinVar variation 4526492 (VCV004526492.1).

ClinVar aggregate classification (germline): Uncertain significance (1 of 4 stars; one submission).

Conditions:
Dilated cardiomyopathy 1KK (CMD1KK). Identifiers: Orphanet 154, Orphanet 75249, MedGen C3714995, MONDO:0014100, OMIM 615248.

Submission:

MVZ Medizinische Genetik Mainz
Classification: Uncertain significance for Dilated cardiomyopathy 1KK. Last evaluated: 2025-09-26. Review status: criteria provided, single submitter. Criteria: UK Practice Guidelines For Variant Classification V4 01 2020. Collection method: clinical testing. Allele origin: germline. Inheritance: Autosomal dominant inheritance. Affected: yes. Observed: 1 variant allele.
Comment: ACMG Criteria: PM2_SUP,PP3